The following is an entry in ClinVar:

NM_005909.5(MAP1B):c.2212G>T (p.Asp738Tyr)

Gene: MAP1B (microtubule associated protein 1B; plus strand). Cytogenetic location: 5q13.2.
Variant type: single nucleotide variant.
Coding change: c.2212G>T on transcript NM_005909.5 (MANE Select); coding-DNA position 2212, G replaced by T.
Protein change: p.Asp738Tyr; replaces aspartic acid 738 with tyrosine.
Molecular consequence: missense variant.
Genome position (GRCh38, 1-based): chr5:72,195,567, G>T. VCF-style: chr5-72195567-G-T. GRCh37 (hg19) VCF-style: chr5-71491394-G-T.
Other names: c.1834G>T, p.Asp612Tyr (NM_001324255.2); short protein forms D612Y, D738Y.
Identifiers: ClinVar variation 3370010 (VCV003370010.1).

ClinVar aggregate classification (germline): Uncertain significance (1 of 4 stars; one submission).

Submission:

GeneDx
Classification: Uncertain significance. Last evaluated: 2023-12-27. Review status: criteria provided, single submitter. Criteria: GeneDx Variant Classification Process June 2021. Collection method: clinical testing. Allele origin: germline. Affected: yes.
Comment: Not observed at significant frequency in large population cohorts (gnomAD); In silico analysis supports that this missense variant does not alter protein structure/function; Has not been previously published as pathogenic or benign to our knowledge